The following is an entry in ClinVar:

NM_000515.5(GH1):c.151T>A (p.Phe51Ile)

Genes: GH-LCR (growth hormone locus control region; plus strand), GH1 (growth hormone 1; minus strand). Cytogenetic location: 17q23.3.
Variant type: single nucleotide variant.
Coding change: c.151T>A on transcript NM_000515.5 (MANE Select); coding-DNA position 151, T replaced by A.
Protein change: p.Phe51Ile; replaces phenylalanine 51 with isoleucine.
Molecular consequence: missense variant.
Genome position (GRCh38, 1-based): chr17:63,918,366, A>T on the plus strand (T>A on the coding strand, the complement: GH1 is on the minus strand). VCF-style: chr17-63918366-A-T. GRCh37 (hg19) VCF-style: chr17-61995726-A-T.
Other names: c.151T>A, p.Phe51Ile (NM_022559.4, NM_022560.4); short protein forms F51I.
Identifiers: ClinVar variation 1303315 (VCV001303315.2), dbSNP rs778408321, ClinGen allele CA8708338.

ClinVar aggregate classification (germline): Uncertain significance (1 of 4 stars; one submission).

Allele frequency attached by ClinVar (database versions not stated): TOPMed below 0.00001; ExAC 0.00002; gnomAD 0.00001; gnomAD exomes 0.00001.
gnomAD v4.1: 5 of 1,614,066 alleles (0.00031%); highest among the groups gnomAD compares: South Asian, 0.0044%; no homozygotes.

Submission:

GeneDx
Classification: Uncertain significance. Last evaluated: 2020-06-22. Review status: criteria provided, single submitter. Criteria: GeneDx Variant Classification Process June 2021. Collection method: clinical testing. Allele origin: germline. Affected: yes.
Comment: In silico analysis supports that this missense variant has a deleterious effect on protein structure/function; Has not been previously published as pathogenic or benign to our knowledge